The following is an entry in ClinVar:

ClinVar aggregate classification (germline): Uncertain significance (1 of 4 stars; one submission).

Submission:

Labcorp Genetics (formerly Invitae), Labcorp
Classification: Uncertain significance. Last evaluated: 2022-08-19. Review status: criteria provided, single submitter. Criteria: Invitae Variant Classification Sherloc (09022015). Collection method: clinical testing. Allele origin: germline.
Comment: In summary, the available evidence is currently insufficient to determine the role of this variant in disease. Therefore, it has been classified as a Variant of Uncertain Significance. This sequence change replaces arginine, which is basic and polar, with leucine, which is neutral and non-polar, at codon 472 of the NIN protein (p.Arg472Leu). This variant is not present in population databases (gnomAD no frequency). This variant has not been reported in the literature in individuals affected with NIN-related conditions. Algorithms developed to predict the effect of missense changes on protein structure and function are either unavailable or do not agree on the potential impact of this missense change (SIFT: "Deleterious"; PolyPhen-2: "Possibly Damaging"; Align-GVGD: "Class C0").

NM_020921.4(NIN):c.1415G>T (p.Arg472Leu)

Gene: NIN (ninein; minus strand). Cytogenetic location: 14q22.1.
Variant type: single nucleotide variant.
Coding change: c.1415G>T on transcript NM_020921.4 (MANE Select); coding-DNA position 1415, G replaced by T.
Protein change: p.Arg472Leu; replaces arginine 472 with leucine.
Molecular consequence: missense variant.
Genome position (GRCh38, 1-based): chr14:50,770,407, C>A on the plus strand (G>T on the coding strand, the complement: NIN is on the minus strand). VCF-style: chr14-50770407-C-A. GRCh37 (hg19) VCF-style: chr14-51237125-C-A.
Other names: c.1415G>T, p.Arg472Leu (NM_016350.5, NM_182944.3, NM_182946.2); short protein forms R472L.
Identifiers: ClinVar variation 2025044 (VCV002025044.4), dbSNP rs144609230, ClinGen allele CA389665275.